The following is an entry in ClinVar:

ClinVar aggregate classification (germline): Uncertain significance (1 of 4 stars; one submission).

Conditions:
Hereditary cancer-predisposing syndrome. Also called: Neoplastic Syndromes, Hereditary; Tumor predisposition; Hereditary Cancer Syndrome; Hereditary neoplastic syndrome. Identifiers: Orphanet 140162, MedGen C0027672, MeSH D009386, MONDO:0015356.

Submission:

Ambry Genetics
Classification: Uncertain significance for Hereditary cancer-predisposing syndrome. Last evaluated: 2026-04-12. Review status: criteria provided, single submitter. Criteria: Ambry Variant Classification Scheme 2023. Collection method: clinical testing. Allele origin: germline.
Comment: The p.S46G variant (also known as c.136A>G), located in coding exon 2 of the BRIP1 gene, results from an A to G substitution at nucleotide position 136. The serine at codon 46 is replaced by glycine, an amino acid with similar properties. This amino acid position is conserved. In addition, the in silico prediction for this alteration is inconclusive. Based on the available evidence, the clinical significance of this variant remains unclear.

NM_032043.3(BRIP1):c.136A>G (p.Ser46Gly)

Gene: BRIP1 (BRCA1 interacting DNA helicase 1; minus strand). Cytogenetic location: 17q23.2.
Variant type: single nucleotide variant.
Coding change: c.136A>G on transcript NM_032043.3 (MANE Select); coding-DNA position 136, A replaced by G.
Protein change: p.Ser46Gly; replaces serine 46 with glycine.
Molecular consequence: missense variant.
Genome position (GRCh38, 1-based): chr17:61,859,865, T>C on the plus strand (A>G on the coding strand, the complement: BRIP1 is on the minus strand). VCF-style: chr17-61859865-T-C. GRCh37 (hg19) VCF-style: chr17-59937226-T-C.
Other names: short protein forms S46G.
Identifiers: ClinVar variation 4867916 (VCV004867916.1).